The following is an entry in ClinVar:

ClinVar aggregate classification (germline): Uncertain significance (1 of 4 stars; one submission).

Conditions:
Ataxia-telangiectasia syndrome (AT). Also called: AT, COMPLEMENTATION GROUP C; Ataxia-telangiectasia, complementation group D; ATAXIA-TELANGIECTASIA, COMPLEMENTATION GROUP A; ATAXIA-TELANGIECTASIA, FRESNO VARIANT; Ataxia-telangiectasia; Ataxia telangiectasia (A-T). Identifiers: Orphanet 100, MedGen C0004135, MONDO:0008840, OMIM 208900.

Submission:

Labcorp Genetics (formerly Invitae), Labcorp
Classification: Uncertain significance for Ataxia-telangiectasia syndrome. Last evaluated: 2023-07-19. Review status: criteria provided, single submitter. Criteria: Invitae Variant Classification Sherloc (09022015). Collection method: clinical testing. Allele origin: germline.
Comment: This sequence change replaces lysine, which is basic and polar, with arginine, which is basic and polar, at codon 766 of the ATM protein (p.Lys766Arg). This variant is not present in population databases (gnomAD no frequency). This variant has not been reported in the literature in individuals affected with ATM-related conditions. An algorithm developed to predict the effect of missense changes on protein structure and function (PolyPhen-2) suggests that this variant is likely to be disruptive. Algorithms developed to predict the effect of sequence changes on RNA splicing suggest that this variant may create or strengthen a splice site. In summary, the available evidence is currently insufficient to determine the role of this variant in disease. Therefore, it has been classified as a Variant of Uncertain Significance.

NM_000051.4(ATM):c.2297A>G (p.Lys766Arg)

Gene: ATM (ATM serine/threonine kinase; plus strand). Cytogenetic location: 11q22.3.
Variant type: single nucleotide variant.
Coding change: c.2297A>G on transcript NM_000051.4 (MANE Select); coding-DNA position 2297, A replaced by G.
Protein change: p.Lys766Arg; replaces lysine 766 with arginine.
Molecular consequence: missense variant.
Genome position (GRCh38, 1-based): chr11:108,257,527, A>G. VCF-style: chr11-108257527-A-G. GRCh37 (hg19) VCF-style: chr11-108128254-A-G.
Other names: c.2297A>G, p.Lys766Arg (NM_001351834.2); short protein forms K766R.
Identifiers: ClinVar variation 2744872 (VCV002744872.3), dbSNP rs2135406623, ClinGen allele CA382539780.
Genomic context (GRCh38, chr11:108,257,527, plus strand): 5'-TCTATTCACAATAGTCTCTAATGCAATGTGCAGGAGAAAGTATCACTCTGTTTAAAAATA[A>G]GACAAATGAGGAATTCAGAATTGGTTCCTTGAGAAATATGATGCAGCTATGTACACGTTG-3'
Protein context (NP_000042.3, residues 756-776): AGESITLFKN[Lys766Arg]TNEEFRIGSL